The following is an entry in ClinVar:

NM_020207.7(ERCC6L2):c.3950A>G (p.Lys1317Arg)

Gene: ERCC6L2 (ERCC excision repair 6 like 2; plus strand). Cytogenetic location: 9q22.32.
Variant type: single nucleotide variant.
Coding change: c.3950A>G on transcript NM_020207.7 (MANE Select); coding-DNA position 3950, A replaced by G.
Protein change: p.Lys1317Arg; replaces lysine 1317 with arginine.
Molecular consequence: missense variant. On other transcripts: non-coding transcript variant (1), intron variant (2).
Genome position (GRCh38, 1-based): chr9:96,012,500, A>G. VCF-style: chr9-96012500-A-G. GRCh37 (hg19) VCF-style: chr9-98774782-A-G.
Other names: c.3674+7799A>G (NM_001375291.1, NM_001375292.1); short protein forms K1317R.
Identifiers: ClinVar variation 1998396 (VCV001998396.4), dbSNP rs1484359913, ClinGen allele CA466121341.

ClinVar aggregate classification (germline): Uncertain significance (1 of 4 stars; one submission).

Allele frequency attached by ClinVar (database versions not stated): gnomAD exomes below 0.00001.
gnomAD v4.1: 1 of 1,367,502 alleles (0.000073%); highest among the groups gnomAD compares: South Asian, 0.0011%; no homozygotes.

Submission:

Labcorp Genetics (formerly Invitae), Labcorp
Classification: Uncertain significance. Last evaluated: 2022-05-25. Review status: criteria provided, single submitter. Criteria: Invitae Variant Classification Sherloc (09022015). Collection method: clinical testing. Allele origin: germline.
Comment: This variant is present in population databases (no rsID available, gnomAD 0.003%). In summary, the available evidence is currently insufficient to determine the role of this variant in disease. Therefore, it has been classified as a Variant of Uncertain Significance. Algorithms developed to predict the effect of missense changes on protein structure and function are either unavailable or do not agree on the potential impact of this missense change (SIFT: "Tolerated"; PolyPhen-2: "Not Available"; Align-GVGD: "Class C0"). This variant has not been reported in the literature in individuals affected with ERCC6L2-related conditions. This sequence change replaces lysine, which is basic and polar, with arginine, which is basic and polar, at codon 1328 of the ERCC6L2 protein (p.Lys1328Arg).